The following is an entry in ClinVar:

ClinVar aggregate classification (germline): Uncertain significance (1 of 4 stars; one submission).

Submission:

Women's Health and Genetics/Laboratory Corporation of America, LabCorp
Classification: Uncertain significance. Last evaluated: 2025-10-17. Review status: criteria provided, single submitter. Criteria: LabCorp Variant Classification Summary - May 2015. Collection method: clinical testing. Allele origin: germline.
Comment: Variant summary: COL7A1 c.5695G>T (p.Gly1899Cys) results in a non-conservative amino acid change in the encoded protein sequence. Algorithms developed to predict the effect of missense changes on protein structure and function all suggest that this variant is likely to be disruptive. The frequency data for this variant in gnomAD is considered unreliable, as metrics indicate poor data quality at this position. To our knowledge, no occurrence of c.5695G>T in individuals affected with COL7A1-related conditions and no experimental evidence demonstrating its impact on protein function have been reported. No submitters have cited clinical-significance assessments for this variant to ClinVar. Based on the evidence outlined above, the variant was classified as uncertain significance.

NM_000094.4(COL7A1):c.5695G>T (p.Gly1899Cys)

Gene: COL7A1 (collagen type VII alpha 1 chain; minus strand). Cytogenetic location: 3p21.31.
Variant type: single nucleotide variant.
Coding change: c.5695G>T on transcript NM_000094.4 (MANE Select); coding-DNA position 5695, G replaced by T.
Protein change: p.Gly1899Cys; replaces glycine 1899 with cysteine.
Molecular consequence: missense variant.
Genome position (GRCh38, 1-based): chr3:48,576,681, C>A on the plus strand (G>T on the coding strand, the complement: COL7A1 is on the minus strand). VCF-style: chr3-48576681-C-A. GRCh37 (hg19) VCF-style: chr3-48614114-C-A.
Other names: short protein forms G1899C.
Identifiers: ClinVar variation 4687225 (VCV004687225.1).